The following is an entry in ClinVar:

ClinVar aggregate classification (germline): Uncertain significance (1 of 4 stars; one submission).

Conditions:
Cardiomyopathy (CMYO). Also called: Cardiomyopathies. Identifiers: Orphanet 167848, MedGen C0878544, MONDO:0004994, HP:0001638. Inheritance: Various modes of inheritance.

Allele frequency attached by ClinVar (database versions not stated): gnomAD exomes below 0.00001; TOPMed below 0.00001; gnomAD 0.00001.
gnomAD v4.1: 2 of 1,613,922 alleles (0.00012%); highest among the groups gnomAD compares: African/African-American, 0.0013%; no homozygotes.

Submission:

Color Diagnostics, LLC DBA Color Health
Classification: Uncertain significance for Cardiomyopathy. Last evaluated: 2024-03-06. Review status: criteria provided, single submitter. Criteria: ACMG Guidelines, 2015. Collection method: clinical testing. Allele origin: germline.
Comment: This missense variant replaces glutamine with arginine at codon 669 of the RYR2 protein. Computational prediction suggests that this variant may have deleterious impact on protein structure and function (internally defined REVEL score threshold >= 0.7, PMID: 27666373). To our knowledge, functional studies have not been reported for this variant. This variant has not been reported in individuals affected with cardiovascular disorders in the literature. This variant has not been identified in the general population by the Genome Aggregation Database (gnomAD). The available evidence is insufficient to determine the role of this variant in disease conclusively. Therefore, this variant is classified as a Variant of Uncertain Significance.

NM_001035.3(RYR2):c.2006A>G (p.Gln669Arg)

Gene: RYR2 (ryanodine receptor 2; plus strand). Cytogenetic location: 1q43.
Variant type: single nucleotide variant.
Coding change: c.2006A>G on transcript NM_001035.3 (MANE Select); coding-DNA position 2006, A replaced by G.
Protein change: p.Gln669Arg; replaces glutamine 669 with arginine.
Molecular consequence: missense variant.
Genome position (GRCh38, 1-based): chr1:237,496,555, A>G. VCF-style: chr1-237496555-A-G. GRCh37 (hg19) VCF-style: chr1-237659855-A-G.
Other names: short protein forms Q669R.
Identifiers: ClinVar variation 1171355 (VCV001171355.3), dbSNP rs1481345595, ClinGen allele CA345391196.